The following is an entry in ClinVar:

ClinVar aggregate classification (germline): Pathogenic (1 of 4 stars; one submission).

Conditions:
Supravalvar aortic stenosis (SVAS). Also called: Supravalvar aortic stenosis, Eisenberg type. Identifiers: Orphanet 3193, MedGen C0003499, MONDO:0008504, OMIM 185500, HP:0004381.

Submission:

Molecular Genetics Laboratory, Motol Hospital
Classification: Pathogenic for Supravalvar aortic stenosis. Last evaluated: 2025-09-26. Review status: criteria provided, single submitter. Criteria: ACMG Guidelines, 2015. Collection method: clinical testing. Allele origin: de novo. Affected: yes. Observed: 1 variant allele.
Comment: The variant is not present in gnomAD (v4.1.0), dbSNP or ClinVar (PM2). Rare truncating variants affecting the ELN gene are associated with autosomal dominant supravalvular aortic stenosis (MIM:185500; PMID:40307100;PMID:36518217) (PVS1). To conclude, the variant is classified as pathogenic (ACMG PM2, PVS1, PS2).

Literature cited by the submitters: PubMed 40307100; PubMed 36518217.

NM_000501.4(ELN):c.675del (p.Lys225fs)

Gene: ELN (elastin; plus strand). Cytogenetic location: 7q11.23.
Variant type: Deletion.
Coding change: c.675del on transcript NM_000501.4 (MANE Select); coding-DNA position 675, one base deleted (A; older notation c.675delA).
Protein change: p.Lys225fs; shifts the reading frame from lysine 225.
Molecular consequence: frameshift variant. On other transcripts: intron variant (2).
Genome position (GRCh38, 1-based): chr7:74,047,706, A deleted; the last of 3 consecutive A bases (chr7:74,047,704-74,047,706); deleting any one gives the same sequence. VCF-style (leftmost placement, unchanged base first): chr7-74047703-GA-G. GRCh37 (hg19) VCF-style: chr7-73462033-GA-G.
Other names: c.578-436del (NM_001278913.2); c.645del, p.Lys215fs (NM_001081752.3, NM_001278917.2); c.690del, p.Lys230fs (NM_001081753.3, NM_001081754.3); c.675del, p.Lys225fs (NM_001081755.3, NM_001278912.2, NM_001278915.2 and 1 more transcripts); c.660del, p.Lys220fs (NM_001278914.2); c.543del, p.Lys181fs (NM_001278918.2); c.644-436del (NM_001278916.2); short protein forms K181fs, K215fs, K220fs, K225fs, K230fs.
Identifiers: ClinVar variation 4087717 (VCV004087717.1).